The following is an entry in ClinVar:

ClinVar aggregate classification (germline): Uncertain significance (1 of 4 stars; one submission).

Allele frequency attached by ClinVar (database versions not stated): gnomAD exomes below 0.00001.
gnomAD v4.1: 1 of 1,438,096 alleles (0.00007%); highest among the groups gnomAD compares: South Asian, 0.0015%; no homozygotes.

Submission:

Labcorp Genetics (formerly Invitae), Labcorp
Classification: Uncertain significance. Last evaluated: 2022-11-09. Review status: criteria provided, single submitter. Criteria: Invitae Variant Classification Sherloc (09022015). Collection method: clinical testing. Allele origin: germline.
Comment: This sequence change replaces proline, which is neutral and non-polar, with leucine, which is neutral and non-polar, at codon 1525 of the SETBP1 protein (p.Pro1525Leu). This variant is not present in population databases (gnomAD no frequency). This variant has not been reported in the literature in individuals affected with SETBP1-related conditions. Advanced modeling of protein sequence and biophysical properties (such as structural, functional, and spatial information, amino acid conservation, physicochemical variation, residue mobility, and thermodynamic stability) performed at Invitae indicates that this missense variant is not expected to disrupt SETBP1 protein function. In summary, the available evidence is currently insufficient to determine the role of this variant in disease. Therefore, it has been classified as a Variant of Uncertain Significance.

NM_015559.3(SETBP1):c.4574C>T (p.Pro1525Leu)

Gene: SETBP1 (SET binding protein 1; plus strand). Cytogenetic location: 18q12.3.
Variant type: single nucleotide variant.
Coding change: c.4574C>T on transcript NM_015559.3 (MANE Select); coding-DNA position 4574, C replaced by T.
Protein change: p.Pro1525Leu; replaces proline 1525 with leucine.
Molecular consequence: missense variant.
Genome position (GRCh38, 1-based): chr18:45,063,481, C>T. VCF-style: chr18-45063481-C-T. GRCh37 (hg19) VCF-style: chr18-42643446-C-T.
Other names: c.4574C>T, p.Pro1525Leu (NM_001379141.1, NM_001379142.1); c.4403C>T, p.Pro1468Leu (NM_001410862.1); short protein forms P1468L, P1525L.
Identifiers: ClinVar variation 2812598 (VCV002812598.3), dbSNP rs2511369868, ClinGen allele CA402483709.